The following is an entry in ClinVar:

NM_014804.3(KIAA0753):c.1117C>G (p.Leu373Val)

Gene: KIAA0753 (KIAA0753; minus strand). Cytogenetic location: 17p13.1.
Variant type: single nucleotide variant.
Coding change: c.1117C>G on transcript NM_014804.3 (MANE Select); coding-DNA position 1117, C replaced by G.
Protein change: p.Leu373Val; replaces leucine 373 with valine.
Molecular consequence: missense variant. On other transcripts: non-coding transcript variant (3).
Genome position (GRCh38, 1-based): chr17:6,620,986, G>C on the plus strand (C>G on the coding strand, the complement: KIAA0753 is on the minus strand). VCF-style: chr17-6620986-G-C. GRCh37 (hg19) VCF-style: chr17-6524306-G-C.
Other names: c.220C>G, p.Leu74Val (NM_001351225.2); c.1117C>G (NM_014804.2); short protein forms L74V, L373V.
Identifiers: ClinVar variation 2150270 (VCV002150270.2), dbSNP rs186772050, ClinGen allele CA8330576.

ClinVar aggregate classification (germline): Uncertain significance. Review status: criteria provided, multiple submitters, no conflicts (2 of 4 stars). 2 submissions from 2 submitters: Uncertain significance (2). Last evaluated 2022-01-17.

Conditions:
Inborn genetic diseases. Identifiers: MedGen C0950123, MeSH D030342.

Allele frequency attached by ClinVar (database versions not stated): gnomAD 0.00001; TOPMed 0.00001; ExAC 0.00009; gnomAD exomes 0.00014; 1000 Genomes Project 30x 0.00016; 1000 Genomes Project 0.00020.
gnomAD v4.1: 84 of 1,612,840 alleles (0.0052%); highest among the groups gnomAD compares: East Asian, 0.19%; no homozygotes.

Submissions (2):

Labcorp Genetics (formerly Invitae), Labcorp
Classification: Uncertain significance. Last evaluated: 2022-01-17. Review status: criteria provided, single submitter. Criteria: Invitae Variant Classification Sherloc (09022015). Collection method: clinical testing. Allele origin: germline.
Comment: This sequence change replaces leucine, which is neutral and non-polar, with valine, which is neutral and non-polar, at codon 373 of the KIAA0753 protein (p.Leu373Val). The frequency data for this variant in the population databases is considered unreliable, as metrics indicate poor data quality at this position in the gnomAD database. This variant has not been reported in the literature in individuals affected with KIAA0753-related conditions. Algorithms developed to predict the effect of missense changes on protein structure and function are either unavailable or do not agree on the potential impact of this missense change (SIFT: "Tolerated"; PolyPhen-2: "Probably Damaging"; Align-GVGD: "Class C0"). In summary, the available evidence is currently insufficient to determine the role of this variant in disease. Therefore, it has been classified as a Variant of Uncertain Significance.

Ambry Genetics
Classification: Uncertain significance for Inborn genetic diseases. Last evaluated: 2021-06-18. Review status: criteria provided, single submitter. Criteria: Ambry Variant Classification Scheme 2023. Collection method: clinical testing. Allele origin: germline.